The following is an entry in ClinVar:

NM_017662.5(TRPM6):c.1865A>C (p.Lys622Thr)

Gene: TRPM6 (transient receptor potential cation channel subfamily M member 6; minus strand). Cytogenetic location: 9q21.13.
Variant type: single nucleotide variant.
Coding change: c.1865A>C on transcript NM_017662.5 (MANE Select); coding-DNA position 1865, A replaced by C.
Protein change: p.Lys622Thr; replaces lysine 622 with threonine.
Molecular consequence: missense variant.
Genome position (GRCh38, 1-based): chr9:74,802,042, T>G on the plus strand (A>C on the coding strand, the complement: TRPM6 is on the minus strand). VCF-style: chr9-74802042-T-G. GRCh37 (hg19) VCF-style: chr9-77416958-T-G.
Other names: c.1850A>C, p.Lys617Thr (NM_001177310.2, NM_001177311.2); short protein forms K617T, K622T.
Identifiers: ClinVar variation 2501859 (VCV002501859.1), dbSNP rs2490024918, ClinGen allele CA373688541.

ClinVar aggregate classification (germline): Uncertain significance (1 of 4 stars; one submission).

Submission:

GeneDx
Classification: Uncertain significance. Last evaluated: 2022-11-11. Review status: criteria provided, single submitter. Criteria: GeneDx Variant Classification Process June 2021. Collection method: clinical testing. Allele origin: germline. Affected: yes.
Comment: Not observed at significant frequency in large population cohorts (gnomAD); In silico analysis supports that this missense variant has a deleterious effect on protein structure/function; Has not been previously published as pathogenic or benign to our knowledge